The following is an entry in ClinVar:

ClinVar aggregate classification (germline): Uncertain significance (1 of 4 stars; one submission).

Conditions:
Neurodevelopmental disorder with or without hyperkinetic movements and seizures, autosomal dominant. Also called: Intellectual disability, autosomal dominant 8. Identifiers: MedGen C3280282, MONDO:0013655, OMIM 614254.

Submission:

Labcorp Genetics (formerly Invitae), Labcorp
Classification: Uncertain significance for Neurodevelopmental disorder with or without hyperkinetic movements and seizures, autosomal dominant. Last evaluated: 2022-10-24. Review status: criteria provided, single submitter. Criteria: Invitae Variant Classification Sherloc (09022015). Collection method: clinical testing. Allele origin: germline.
Comment: In summary, the available evidence is currently insufficient to determine the role of this variant in disease. Therefore, it has been classified as a Variant of Uncertain Significance. Experimental studies and prediction algorithms are not available or were not evaluated, and the functional significance of this variant is currently unknown. ClinVar contains an entry for this variant (Variation ID: 1407453). This variant has not been reported in the literature in individuals affected with GRIN1-related conditions. This variant is not present in population databases (gnomAD no frequency). This variant, c.2285_2290del, results in the deletion of 2 amino acid(s) of the GRIN1 protein (p.Met762_Arg763del), but otherwise preserves the integrity of the reading frame.

NM_007327.4(GRIN1):c.2285_2290del (p.Met762_Arg763del)

Gene: GRIN1 (glutamate ionotropic receptor NMDA type subunit 1; plus strand). Cytogenetic location: 9q34.3.
Variant type: Deletion.
Coding change: c.2285_2290del on transcript NM_007327.4 (MANE Select); coding-DNA positions 2285 to 2290, 6 bases deleted (TGCGCA; older notation c.2285_2290delTGCGCA).
Protein change: p.Met762_Arg763del.
Molecular consequence: inframe deletion.
Genome position (GRCh38, 1-based): chr9:137,163,282-137,163,287, TGCGCA deleted; deleting any 6 consecutive bases within chr9:137,163,279-137,163,287 gives the same sequence; the c. name uses the placement nearest the transcript's 3' end. VCF-style (leftmost placement, unchanged base first): chr9-137163278-GGCATGC-G. GRCh37 (hg19) VCF-style: chr9-140057730-GGCATGC-G.
Other names: c.2285_2290del, p.Met762_Arg763del (NM_000832.7, NM_021569.4); c.2348_2353del, p.Met783_Arg784del (NM_001185090.2, NM_001185091.2).
Identifiers: ClinVar variation 1407453 (VCV001407453.8), dbSNP rs2131301373, ClinGen allele CA2573144411.